The following is an entry in ClinVar:

ClinVar aggregate classification (germline): Uncertain significance. Review status: criteria provided, multiple submitters, no conflicts (2 of 4 stars). 2 submissions from 2 submitters: Uncertain significance (2). Last evaluated 2026-01-14.

Conditions:
TTN-related disorder. Also called: TTN-related condition; TTN-related disease; TTN-related disorders.

Allele frequency attached by ClinVar (database versions not stated): gnomAD 0.00001; gnomAD exomes 0.00001; ExAC 0.00003.
gnomAD v4.1: 16 of 1,613,704 alleles (0.00099%); highest among the groups gnomAD compares: South Asian, 0.0066%; no homozygotes.

Submissions (2):

PreventionGenetics, part of Exact Sciences
Classification: Uncertain significance for TTN-related condition. Last evaluated: 2026-01-14. Review status: criteria provided, single submitter. Criteria: ACMG Guidelines, 2015. Collection method: clinical testing. Allele origin: germline.
Comment: The TTN c.88973T>C variant is predicted to result in the amino acid substitution p.Ile29658Thr. To our knowledge, this variant has not been reported in the literature. This variant is reported in 0.0098% of alleles in individuals of South Asian descent in gnomAD. At this time, the clinical significance of this variant is uncertain due to the absence of conclusive functional and genetic evidence.

Revvity Omics, Revvity
Classification: Uncertain significance. Last evaluated: 2022-06-07. Review status: criteria provided, single submitter. Criteria: ACMG Guidelines, 2015. Collection method: clinical testing. Allele origin: germline.

NM_001267550.2(TTN):c.88973T>C (p.Ile29658Thr)

Genes: TTN-AS1 (TTN antisense RNA 1; plus strand), TTN (titin; minus strand). Cytogenetic location: 2q31.2.
Variant type: single nucleotide variant.
Coding change: c.88973T>C on transcript NM_001267550.2 (MANE Select); coding-DNA position 88973, T replaced by C.
Protein change: p.Ile29658Thr; replaces isoleucine 29658 with threonine.
Molecular consequence: missense variant.
Genome position (GRCh38, 1-based): chr2:178,554,138, A>G on the plus strand (T>C on the coding strand, the complement: TTN is on the minus strand). VCF-style: chr2-178554138-A-G. GRCh37 (hg19) VCF-style: chr2-179418865-A-G.
Other names: c.84050T>C, p.Ile28017Thr (NM_001256850.1); c.61778T>C, p.Ile20593Thr (NM_003319.4); c.81269T>C, p.Ile27090Thr (NM_133378.4); c.62153T>C, p.Ile20718Thr (NM_133432.3); c.62354T>C, p.Ile20785Thr (NM_133437.4); short protein forms I20593T, I20718T, I20785T, I27090T, I28017T, I29658T.
Identifiers: ClinVar variation 2438398 (VCV002438398.5), dbSNP rs750026544, ClinGen allele CA1988006.